The following is an entry in ClinVar:

ClinVar aggregate classification (germline): Pathogenic/Likely pathogenic. Review status: criteria provided, multiple submitters, no conflicts (2 of 4 stars). 9 submissions from 8 submitters: Pathogenic (4); Likely pathogenic (3). 2 of the submissions do not count toward it. Last evaluated 2026-10-14.

Conditions:
Cardiovascular phenotype. Identifiers: MedGen CN230736.
Familial long QT syndrome (RWS). Also called: Romano-Ward syndrome; VENTRICULAR FIBRILLATION WITH PROLONGED QT INTERVAL; Congenital long QT syndrome. Identifiers: Orphanet 768, MedGen C1141890, MONDO:0019171.
Cardiac arrhythmia. Also called: Cardiac rhythm disease; Arrhythmia. Identifiers: MedGen C0003811, MONDO:0007263, HP:0011675.
Long QT syndrome (LQTS). Identifiers: MedGen C0023976, MeSH D008133, MONDO:0002442. Disease mechanism: loss of function. Inheritance: Various modes of inheritance.
Long QT syndrome 2 (LQT2). Identifiers: Orphanet 101016, Orphanet 768, MedGen C3150943, MONDO:0013367, OMIM 613688.
Long QT syndrome, bradycardia-induced. Identifiers: MedGen C4016248.

Allele frequency attached by ClinVar (database versions not stated): gnomAD exomes below 0.00001.
gnomAD v4.1: 1 of 1,614,160 alleles (0.000062%); highest among the groups gnomAD compares: Non-Finnish European, 0.000085%; no homozygotes.

Submissions (9):

GeneDx
Classification: Pathogenic. Last evaluated: 2026-10-14. Review status: criteria provided, single submitter. Criteria: GeneDx Variant Classification Process June 2021. Collection method: clinical testing. Allele origin: germline.
Comment: Published functional studies demonstrated that A490T resulted in significantly reduced whole cell currents compared to the wild-type (PMID: 20975234); In silico analysis supports that this missense variant has a deleterious effect on protein structure/function; Not observed at significant frequency in large population cohorts (gnomAD); Reported in association with LQTS (PMID: 19716085, 18441445, 18808722, 11170080, 35470680, 35492841, 36861347); This variant is associated with the following publications: (PMID: 19716085, 18441445, 11170080, 23303164, 20975234, 18808722, 22581653, 36861347, 31447099, 35492841, 35470680)

Ambry Genetics
Classification: Pathogenic for Cardiovascular phenotype. Last evaluated: 2026-05-05. Review status: criteria provided, single submitter. Criteria: Ambry Variant Classification Scheme 2023. Collection method: clinical testing. Allele origin: germline.
Comment: The p.A490T pathogenic mutation (also known as c.1468G>A), located in coding exon 6 of the KCNH2 gene, results from a G to A substitution at nucleotide position 1468. The alanine at codon 490 is replaced by threonine, an amino acid with similar properties. This variant was reported in individual(s) with features consistent with KCNH2-related long QT syndrome (LQTS); in at least one individual, it was determined to be de novo (Yoshida H et al. Am. J. Med. Genet., 2001 Feb;98:348-52; Zhang X et al. BMC Med. Genet., 2008 Sep;9:87; Kapplinger JD et al. Heart Rhythm, 2009 Sep;6:1297-303). This variant segregated with disease in at least one family with features consistent with LQTS (Zhang X et al. BMC Med. Genet., 2008 Sep;9:87). In multiple assays testing KCNH2 function, this variant showed functionally abnormal results (Yoshida H et al. Am. J. Med. Genet., 2001 Feb;98:348-52; Oka Y et al. Circ. J., 2010 Nov;74:2562-71; Jou CJ et al. Circ. Res., 2013 Mar;112:826-30). This amino acid position is highly conserved in available vertebrate species. In addition, this alteration is predicted to be deleterious by in silico analysis. This variant is considered to be rare based on population cohorts in the Genome Aggregation Database (gnomAD). Based on the supporting evidence, this variant is interpreted as a disease-causing mutation.

Color Diagnostics, LLC DBA Color Health
Classification: Likely pathogenic for Cardiac arrhythmia. Last evaluated: 2024-11-13. Review status: criteria provided, single submitter. Criteria: ACMG Guidelines, 2015. Collection method: clinical testing. Allele origin: germline.
Comment: This missense variant replaces alanine with threonine at codon 490 of the KCNH2 protein. Computational prediction suggests that this variant may have deleterious impact on protein structure and function. This variant is located within the conserved transmembrane domain of the KCNH2 protein. Rare non-truncating variants in this region have been shown to be significantly overrepresented in individuals with long QT syndrome (PMID: 32893267). Multiple functional studies have shown that this variant results in a partial loss of potassium channel function (PMID: 11170080, 20975234, 23303164). This variant has been reported in seven unrelated individuals affected with long QT syndrome (PMID: 11170080, 18441445, 18808722, 19716085, 22581653, 35470680, 35492841, 36861347). In one of these probands, this variant was reported to be de novo (PMID: 11170080). This variant has shown segregation with a prolonged or borderline QT interval in seven individuals in a family across three generations (PMID 18808722). This variant has not been identified in the general population by the Genome Aggregation Database (gnomAD). Based on the available evidence, this variant is classified as Likely Pathogenic.

All of Us Research Program, National Institutes of Health
Classification: Likely pathogenic for Long QT syndrome. Last evaluated: 2024-08-01. Review status: criteria provided, single submitter. Criteria: ACMG Guidelines, 2015. Collection method: clinical testing. Allele origin: germline. Inheritance: Autosomal dominant inheritance. Observed: 1 variant allele, 1 heterozygote.
Comment: The c.1468G>A (p.Ala490Thr) variant of the KCNH2 gene has been identified in at least five individuals with Long QT syndrome (LQTS) (PMID: 11170080, 18441445, 35470680, 22581653, 35492841) and in an individual with severe bradycardia (PMID: 20975234). This variant co-segregated with a prolonged or borderline QT interval in a family with seven affected individuals from three generations (PMID: 18808722). This variant was also identified in an individual referred for LQTS genetic testing (PMID: 19716085). Electrophysiology studies showed that this variant caused voltage gate dysfunction and reduced current density of the mutant potassium channel (PMID: 11170080, 20975234). In vivo cardiac assay using zebra fish embryo showed that this variant is unable to rescue repolarization (PMID: 23303164). In-silico computational prediction tools suggest that this variant may have deleterious effect on the protein function (REVEL score: 0.972). This variant is found to be absent in the general population database (gnomAD). This variant is reported in ClinVar (ClinVar ID:14430). Therefore, the c.1468G>A (p.Ala490Thr) variant in the KCNH2 gene is classified as likely pathogenic.

This study involves interpretation of variants in research participants for the purpose of population health screening. Participant phenotype was not available at the time of variant classification. Additional details can be found in publication PMID: 35346344, PMCID: PMC8962531

Labcorp Genetics (formerly Invitae), Labcorp
Classification: Pathogenic for Long QT syndrome. Last evaluated: 2023-11-18. Review status: criteria provided, single submitter. Criteria: Invitae Variant Classification Sherloc (09022015). Collection method: clinical testing. Allele origin: germline.
Comment: This sequence change replaces alanine, which is neutral and non-polar, with threonine, which is neutral and polar, at codon 490 of the KCNH2 protein (p.Ala490Thr). This variant is not present in population databases (gnomAD no frequency). This missense change has been observed in individuals with long QT syndrome (PMID: 18808722, 20975234). ClinVar contains an entry for this variant (Variation ID: 14430). An algorithm developed to predict the effect of missense changes on protein structure and function (PolyPhen-2) suggests that this variant is likely to be disruptive. Experimental studies have shown that this missense change affects KCNH2 function (PMID: 11170080, 20975234, 23303164). For these reasons, this variant has been classified as Pathogenic.

Human Genome Sequencing Center Clinical Lab, Baylor College of Medicine
Classification: Likely pathogenic for long QT syndrome. Last evaluated: 2023-03-24. Review status: criteria provided, single submitter. Criteria: ACMG Guidelines, 2015. Collection method: clinical testing. Allele origin: unknown.
Comment: The c.1468G>A (p.Ala490Thr) variant of the KCNH2 gene has been identified in at least five individuals with Long QT syndrome (LQTS) (PMID: 11170080, 18441445, 35470680, 22581653, 35492841) and in an individual with severe bradycardia (PMID: 20975234). This variant co-segregated with a prolonged or borderline QT interval in a family with seven affected individuals from three generations (PMID: 18808722). This variant was also identified in an individual referred for LQTS genetic testing (PMID: 19716085). Electrophysiology studies showed that this variant caused voltage gate dysfunction and reduced current density of the mutant potassium channel (PMID: 11170080, 20975234). In vivo cardiac assay using zebra fish embryo showed that this variant is unable to rescue repolarization (PMID: 23303164). In-silico computational prediction tools suggest that this variant may have deleterious effect on the protein function (REVEL score: 0.972). This variant is found to be absent in the general population database (gnomAD). This variant is reported in ClinVar (ClinVar ID:14430). Therefore, the c.1468G>A (p.Ala490Thr) variant in the KCNH2 gene is classified as likely pathogenic.

Human Genome Sequencing Center Clinical Lab, Baylor College of Medicine
Classification: Pathogenic for Long QT syndrome 2. Last evaluated: 2018-03-07. Review status: criteria provided, single submitter. Criteria: ACMG Guidelines, 2015. Collection method: clinical testing. Allele origin: germline.
Comment: The c.1468G>A (p.Ala490Thr) variant in the KCNH2 has been identified in at least four unrelated individuals with long QT syndrome (LQTS) (PMIDs: 11170080, 18441445, 18808722, 19716085) and has been found to co-segregate with LQTS (PMID 18808722). This variant was observed de novo in a proband with LQTS (PMID 11170080). This variant is absent from public databases, occurs at a position where a different change(p.A490P) have been shown to segregate with LQTS in a large family with 100% penetrance, located in a functional domain where pathogenic variants have been identified and predicted to be damaging by multiple algorithms. Additionally two independent functional studies implicate this variant to result in loss of channel function (PMIDs 11170080 and 20975234). Therefore, this variant is classified as a pathogenic variant in accordance with ACMG guidelines.

OMIM
Classification: Pathogenic for LONG QT SYNDROME, BRADYCARDIA-INDUCED. Last evaluated: 2001-02-01. Review status: no assertion criteria provided. Collection method: literature only. Allele origin: germline. Not counted in ClinVar's aggregate classification.

Cardiovascular Biomedical Research Unit, Royal Brompton & Harefield NHS Foundation Trust
No classification provided. Condition: Familial long QT syndrome. Review status: no classification provided. Collection method: literature only. Allele origin: germline. Not counted in ClinVar's aggregate classification.
Comment: This variant has been reported as associated with Long QT syndrome in the following publications (PMID:11170080;PMID:18441445;PMID:18808722;PMID:19716085;PMID:20975234). This is a literature report, and does not necessarily reflect the clinical interpretation of the Imperial College / Royal Brompton Cardiovascular Genetics laboratory.

Literature cited by the submitters: PubMed 11170080 (cited by 6 submitters); PubMed 18441445 (cited by 4 submitters); PubMed 18808722 (cited by 5 submitters); PubMed 19716085 (cited by 4 submitters); PubMed 20975234 (cited by 5 submitters); PubMed 23303164 (cited by 4 submitters); PubMed 22581653 (cited by 3 submitters); PubMed 32893267 (cited by Color Diagnostics, LLC DBA Color Health); PubMed 35470680 (cited by Color Diagnostics, LLC DBA Color Health and All of Us Research Program, National Institutes of Health); PubMed 35492841 (cited by Color Diagnostics, LLC DBA Color Health and All of Us Research Program, National Institutes of Health); PubMed 36861347 (cited by Color Diagnostics, LLC DBA Color Health).

NM_000238.4(KCNH2):c.1468G>A (p.Ala490Thr)

Gene: KCNH2 (potassium voltage-gated channel subfamily H member 2; minus strand). Cytogenetic location: 7q36.1.
Variant type: single nucleotide variant.
Coding change: c.1468G>A on transcript NM_000238.4 (MANE Select); coding-DNA position 1468, G replaced by A.
Protein change: p.Ala490Thr; replaces alanine 490 with threonine.
Molecular consequence: missense variant.
Genome position (GRCh38, 1-based): chr7:150,952,514, C>T on the plus strand (G>A on the coding strand, the complement: KCNH2 is on the minus strand). VCF-style: chr7-150952514-C-T. GRCh37 (hg19) VCF-style: chr7-150649602-C-T.
Other names: p.A490T:GCC>ACC; c.1468G>A (LRG_288t1); c.448G>A, p.Ala150Thr (NM_001204798.2, NM_172057.3); c.1180G>A, p.Ala394Thr (NM_001406753.1, NM_001406756.1); c.1291G>A, p.Ala431Thr (NM_001406755.1); c.1168G>A, p.Ala390Thr (NM_001406757.1); c.1468G>A, p.Ala490Thr (NM_172056.3); short protein forms A490T, A150T, A394T, A431T, A390T.
Identifiers: ClinVar variation 14430 (VCV000014430.19), dbSNP rs28928905, ClinGen allele CA004650.